The following is an entry in ClinVar:

NM_016203.4(PRKAG2):c.787C>T (p.Arg263Ter)

Gene: PRKAG2 (protein kinase AMP-activated non-catalytic subunit gamma 2; minus strand). Cytogenetic location: 7q36.1.
Variant type: single nucleotide variant.
Coding change: c.787C>T on transcript NM_016203.4 (MANE Select); coding-DNA position 787, C replaced by T.
Protein change: p.Arg263Ter; replaces arginine 263 with a stop codon.
Molecular consequence: nonsense.
Genome position (GRCh38, 1-based): chr7:151,595,422, G>A on the plus strand (C>T on the coding strand, the complement: PRKAG2 is on the minus strand). VCF-style: chr7-151595422-G-A. GRCh37 (hg19) VCF-style: chr7-151292508-G-A.
Other names: c.655C>T, p.Arg219Ter (NM_001040633.2); c.412C>T, p.Arg138Ter (NM_001304527.2); c.64C>T, p.Arg22Ter (NM_001304531.2, NM_024429.2); c.415C>T, p.Arg139Ter (NM_001363698.2); c.787C>T (NM_016203.3); short protein forms R138*, R219*, R22*, R139*, R263*.
Identifiers: ClinVar variation 923263 (VCV000923263.8), dbSNP rs886062100, ClinGen allele CA370069472.
Genomic context (GRCh38, chr7:151,595,422, plus strand): 5'-AGACAACAAGCTTTGAACTGGTTGGAACGATGTCATAACACTTGTGTGACCTCATGAATC[G>A]CATGTAAACACCACTTTCTGAGTCTTCTACTGCTAAAAGAAAAAAAGGCAAAACATCAGT-3'

ClinVar aggregate classification (germline): Uncertain significance. Review status: criteria provided, multiple submitters, no conflicts (2 of 4 stars). 3 submissions from 3 submitters: Uncertain significance (3). Last evaluated 2023-12-18.

Conditions:
Cardiomyopathy (CMYO). Also called: Cardiomyopathies. Identifiers: Orphanet 167848, MedGen C0878544, MONDO:0004994, HP:0001638. Inheritance: Various modes of inheritance.
Cardiovascular phenotype. Identifiers: MedGen CN230736.
Hypertrophic cardiomyopathy. Also called: HYPERTROPHIC MYOCARDIOPATHY. Identifiers: Orphanet 217569, MedGen C0007194, MeSH D002312, MONDO:0005045, HP:0001639.

Submissions (3):

All of Us Research Program, National Institutes of Health
Classification: Uncertain significance for Hypertrophic cardiomyopathy. Last evaluated: 2023-12-18. Review status: criteria provided, single submitter. Criteria: ACMG Guidelines, 2015. Collection method: clinical testing. Allele origin: germline. Inheritance: Autosomal dominant inheritance. Observed: 1 variant allele, 1 heterozygote.
Comment: Variant of Uncertain Significance due to insufficient evidence: This variant changes 1 nucleotide in exon 6 of the PRKAG2 gene, creating a premature translation stop signal. This variant is expected to result in an absent or non-functional protein product. To our knowledge, functional assays have not been performed for this variant nor has this variant been reported in individuals affected with cardiovascular disorders in the literature. This variant is rare in the general population and has been identified in 0/277264 chromosomes by the Genome Aggregation Database (gnomAD). The role of PRKAG2 truncation variants in cardiomyopathy is not clearly established. Available evidence is insufficient to determine the pathogenicity of this variant conclusively.

This study involves interpretation of variants in research participants for the purpose of population health screening. Participant phenotype was not available at the time of variant classification. Additional details can be found in publication PMID: 35346344, PMCID: PMC8962531

Color Diagnostics, LLC DBA Color Health
Classification: Uncertain significance for Cardiomyopathy. Last evaluated: 2023-11-30. Review status: criteria provided, single submitter. Criteria: ACMG Guidelines, 2015. Collection method: clinical testing. Allele origin: germline.
Comment: This variant changes 1 nucleotide in exon 6 of the PRKAG2 gene, creating a premature translation stop signal. This variant is expected to result in an absent or non-functional protein product. To our knowledge, this variant has not been reported in individuals affected with PRKAG2-related disorders in the literature. This variant has not been identified in the general population by the Genome Aggregation Database (gnomAD). Clinical relevance of loss-of-function PRKAG2 truncation variants in autosomal dominant cardiovascular disorders is not clearly established. Therefore, this variant is classified as a Variant of Uncertain Significance.

Ambry Genetics
Classification: Uncertain significance for Cardiovascular phenotype. Last evaluated: 2023-01-04. Review status: criteria provided, single submitter. Criteria: Ambry Variant Classification Scheme 2023. Collection method: clinical testing. Allele origin: germline.
Comment: The p.R263* variant (also known as c.787C>T), located in coding exon 6 of the PRKAG2 gene, results from a C to T substitution at nucleotide position 787. This changes the amino acid from an arginine to a stop codon within coding exon 6. This alteration is expected to result in protein truncation or nonsense-mediated mRNA decay. However, loss of function of PRKAG2 has not been established as a mechanism of disease. Since supporting evidence is limited at this time, the clinical significance of this alteration remains unclear.